The following is an entry in ClinVar:

NM_002693.3(POLG):c.2994G>T (p.Ser998=)

Gene: POLG (DNA polymerase gamma, catalytic subunit; minus strand). Cytogenetic location: 15q26.1.
Variant type: single nucleotide variant.
Coding change: c.2994G>T on transcript NM_002693.3 (MANE Select); coding-DNA position 2994, G replaced by T.
Protein change: p.Ser998=; no amino-acid change (serine 998 retained).
Molecular consequence: synonymous variant.
Genome position (GRCh38, 1-based): chr15:89,319,338, C>A on the plus strand (G>T on the coding strand, the complement: POLG is on the minus strand). VCF-style: chr15-89319338-C-A. GRCh37 (hg19) VCF-style: chr15-89862569-C-A.
Other names: c.2994G>T, p.Ser998= (NM_001126131.2); c.2994G>T (NM_002693.2).
Identifiers: ClinVar variation 500748 (VCV000500748.9), dbSNP rs567030498, ClinGen allele CA492072461.

ClinVar aggregate classification (germline): Conflicting classifications of pathogenicity. Review status: criteria provided, conflicting classifications (1 of 4 stars). 3 submissions from 3 submitters: Uncertain significance (1); Likely benign (1). 1 of the submissions does not count toward it. Last evaluated 2026-01-19.

Conditions:
POLG-related disorder. Also called: POLG-related condition; POLG-Related Disorders; POLG-Related Spectrum Disorders. Identifiers: MedGen C4763519.
Progressive sclerosing poliodystrophy (MTDPS4A). Also called: Alpers-Huttenlocher Syndrome (AHS); ALPERS PROGRESSIVE INFANTILE POLIODYSTROPHY; Mitochondrial DNA Depletion Syndrome 4A; Mitochondrial DNA depletion syndrome 4A (Alpers type); NEURONAL DEGENERATION OF CHILDHOOD WITH LIVER DISEASE, PROGRESSIVE; Alpers Syndrome. Identifiers: Orphanet 726, MedGen C0205710, MONDO:0008758, OMIM 203700.

Submissions (3):

Labcorp Genetics (formerly Invitae), Labcorp
Classification: Likely benign for Progressive sclerosing poliodystrophy. Last evaluated: 2026-01-19. Review status: criteria provided, single submitter. Criteria: Invitae Variant Classification Sherloc (09022015). Collection method: clinical testing. Allele origin: germline.

Eurofins Ntd Llc (ga)
Classification: Uncertain significance. Last evaluated: 2017-03-07. Review status: criteria provided, single submitter. Criteria: EGL Classification Definitions 2015. Collection method: clinical testing. Allele origin: germline. Observed: 1 variant allele, 1 heterozygote.

PreventionGenetics, part of Exact Sciences
Classification: Likely benign for POLG-related condition. Last evaluated: 2024-06-28. Review status: no assertion criteria provided. Collection method: clinical testing. Allele origin: germline. Not counted in ClinVar's aggregate classification.
Comment: This variant is classified as likely benign based on ACMG/AMP sequence variant interpretation guidelines (Richards et al. 2015 PMID: 25741868, with internal and published modifications).